The following is an entry in ClinVar:

ClinVar aggregate classification (germline): Likely pathogenic (1 of 4 stars; one submission).

Conditions:
Adult polyglucosan body disease (APBN). Also called: GBE1-Adult Polyglucosan Body Disease; POLYGLUCOSAN BODY DISEASE, ADULT FORM. Identifiers: Orphanet 206583, MedGen C1849722, MONDO:0009897, OMIM 263570.
Glycogen storage disease, type IV (GSD4). Also called: AMYLOPECTINOSIS; ANDERSEN DISEASE; BRANCHER DEFICIENCY; CIRRHOSIS, FAMILIAL, WITH DEPOSITION OF ABNORMAL GLYCOGEN; GBE1 DEFICIENCY; GLYCOGEN BRANCHING ENZYME DEFICIENCY. Identifiers: Orphanet 367, MedGen C0017923, MONDO:0009292, OMIM 232500.

gnomAD v4.1: 3 of 1,604,536 alleles (0.00019%); highest among the groups gnomAD compares: South Asian, 0.0023%; no homozygotes.

Submission:

First Genomix Gene Laboratory, Genetic Diagnostics Department
Classification: Likely pathogenic for Glycogen storage disease, type IV; Adult polyglucosan body disease. Last evaluated: 2025-03-28. Review status: criteria provided, single submitter. Criteria: ACMG Guidelines, 2015. Collection method: clinical testing. Allele origin: germline. Inheritance: Autosomal recessive inheritance. Affected: no. Observed: 1 variant allele.

NM_000158.4(GBE1):c.722T>C (p.Met241Thr)

Gene: GBE1 (1,4-alpha-glucan branching enzyme 1; minus strand). Cytogenetic location: 3p12.2.
Variant type: single nucleotide variant.
Coding change: c.722T>C on transcript NM_000158.4 (MANE Select); coding-DNA position 722, T replaced by C.
Protein change: p.Met241Thr; replaces methionine 241 with threonine.
Molecular consequence: missense variant.
Genome position (GRCh38, 1-based): chr3:81,646,452, A>G on the plus strand (T>C on the coding strand, the complement: GBE1 is on the minus strand). VCF-style: chr3-81646452-A-G. GRCh37 (hg19) VCF-style: chr3-81695603-A-G.
Other names: short protein forms M241T.
Identifiers: ClinVar variation 4845857 (VCV004845857.1).
Genomic context (GRCh38, chr3:81,646,452, plus strand): 5'-CTGGAAGCTGCAAAGAAGCTTGTGATTTGGTAACCAAAGCTGGCATAGTAAGCATGCTCC[A>G]TGATTGCCATCAACTGAATGCAGTTGTATCCTATATAAGGCAATGGTCAAATCTAAATTA-3'
Protein context (NP_000149.4, residues 231-251): GYNCIQLMAI[Met241Thr]EHAYYASFGY